The following is an entry in ClinVar:

ClinVar aggregate classification (germline): Likely benign (1 of 4 stars; one submission).

gnomAD v4.1: 1,048 of 1,614,106 alleles (0.065%); highest among the groups gnomAD compares: South Asian, 0.81%; 14 homozygotes.

Submission:

CeGaT Center for Human Genetics Tuebingen
Classification: Likely benign. Last evaluated: 2026-07-01. Review status: criteria provided, single submitter. Criteria: CeGaT Center For Human Genetics Tuebingen Variant Classification Criteria Version 2. Collection method: clinical testing. Allele origin: germline. Affected: yes. Observed: 1 variant allele.
Comment: SARS1: BP4, BP7, BS2

NM_006513.4(SARS1):c.1536C>T (p.Thr512=)

Genes: SARS1 (seryl-tRNA synthetase 1; plus strand), LOC126805821 (CDK7 strongly-dependent group 2 enhancer GRCh37_chr1:109779623-109780822; plus strand). Cytogenetic location: 1p13.3.
Variant type: single nucleotide variant.
Coding change: c.1536C>T on transcript NM_006513.4 (MANE Select); coding-DNA position 1536, C replaced by T.
Protein change: p.Thr512=; no amino-acid change (threonine 512 retained).
Molecular consequence: synonymous variant.
Genome position (GRCh38, 1-based): chr1:109,237,879, C>T. VCF-style: chr1-109237879-C-T. GRCh37 (hg19) VCF-style: chr1-109780501-C-T.
Other names: c.1602C>T, p.Thr534= (NM_001330669.1).
Identifiers: ClinVar variation 5038481 (VCV005038481.1).